The following is an entry in ClinVar:

NM_003919.3(SGCE):c.-29_2del (p.Met1fs)

Gene: SGCE (sarcoglycan epsilon; minus strand). Cytogenetic location: 7q21.3.
Variant type: Deletion.
Coding change: c.-29_2del on transcript NM_003919.3 (MANE Select); 29 bases upstream of the start codon through coding-DNA position 2, 31 bases deleted.
Protein change: p.Met1fs; shifts the reading frame from methionine 1.
Molecular consequence: frameshift variant, initiator codon variant. On other transcripts: 5 prime UTR variant (4).
Genome position (GRCh38, 1-based): chr7:94,656,097-94,656,127, 31 bases deleted; deleting any 31 consecutive bases within chr7:94,656,097-94,656,132 gives the same sequence; the c. name uses the placement nearest the transcript's 3' end. GRCh37 (hg19): chr7:94,285,414-94,285,444.
Other names: c.-29_2del, p.Met1fs (NM_001099400.2, NM_001099401.2, NM_001301139.2 and 4 more transcripts); c.-286_-256del (NM_001346719.2); c.-364_-334del (NM_001346720.2, NM_001362808.2); c.-292_-262del (NM_001362807.2); short protein forms M1fs.
Identifiers: ClinVar variation 3630158 (VCV003630158.2).

ClinVar aggregate classification (germline): Uncertain significance (1 of 4 stars; one submission).

Conditions:
Myoclonic dystonia 11 (DYT11). Also called: Myoclonic dystonia; Dystonia 11; Dystonia, alcohol responsive; Hereditary essential myoclonus; SGCE Myoclonus-Dystonia; Myoclonus-Dystonia. Identifiers: Orphanet 36899, MedGen C1834570, MONDO:0008044, OMIM 159900.

Submission:

Labcorp Genetics (formerly Invitae), Labcorp
Classification: Uncertain significance for Myoclonic dystonia 11. Last evaluated: 2024-10-31. Review status: criteria provided, single submitter. Criteria: Invitae Variant Classification Sherloc (09022015). Collection method: clinical testing. Allele origin: germline.
Comment: This sequence change affects the initiator methionine of the SGCE mRNA. The next in-frame methionine is located at codon 25. This variant is not present in population databases (gnomAD no frequency). This variant has not been reported in the literature in individuals affected with SGCE-related conditions. Experimental studies and prediction algorithms are not available or were not evaluated, and the functional significance of this variant is currently unknown. In summary, the available evidence is currently insufficient to determine the role of this variant in disease. Therefore, it has been classified as a Variant of Uncertain Significance.